The following is an entry in ClinVar:

NM_024408.4(NOTCH2):c.4751A>G (p.Gln1584Arg)

Gene: NOTCH2 (notch receptor 2; minus strand). Cytogenetic location: 1p12.
Variant type: single nucleotide variant.
Coding change: c.4751A>G on transcript NM_024408.4 (MANE Select); coding-DNA position 4751, A replaced by G.
Protein change: p.Gln1584Arg; replaces glutamine 1584 with arginine.
Molecular consequence: missense variant.
Genome position (GRCh38, 1-based): chr1:119,923,745, T>C on the plus strand (A>G on the coding strand, the complement: NOTCH2 is on the minus strand). VCF-style: chr1-119923745-T-C. GRCh37 (hg19) VCF-style: chr1-120466368-T-C.
Other names: short protein forms Q1584R.
Identifiers: ClinVar variation 4997685 (VCV004997685.1).

ClinVar aggregate classification (germline): Uncertain significance (1 of 4 stars; one submission).

Conditions:
NOTCH2-related disorder. Also called: NOTCH2-related condition.

gnomAD v4.1: 5 of 1,614,174 alleles (0.00031%); highest among the groups gnomAD compares: Non-Finnish European, 0.00017%; no homozygotes.

Submission:

PreventionGenetics, part of Exact Sciences
Classification: Uncertain significance for NOTCH2-related condition. Last evaluated: 2024-12-18. Review status: criteria provided, single submitter. Criteria: ACMG Guidelines, 2015. Collection method: clinical testing. Allele origin: germline.
Comment: The NOTCH2 c.4751A>G variant is predicted to result in the amino acid substitution p.Gln1584Arg. To our knowledge, this variant has not been reported in the literature or in a large population database (gnomAD), indicating this variant is rare. At this time, the clinical significance of this variant is uncertain due to the absence of conclusive functional and genetic evidence.